The following is an entry in ClinVar:

NM_005012.4(ROR1):c.331A>G (p.Ile111Val)

Gene: ROR1 (receptor tyrosine kinase like orphan receptor 1; plus strand). Cytogenetic location: 1p31.3.
Variant type: single nucleotide variant.
Coding change: c.331A>G on transcript NM_005012.4 (MANE Select); coding-DNA position 331, A replaced by G.
Protein change: p.Ile111Val; replaces isoleucine 111 with valine.
Molecular consequence: missense variant.
Genome position (GRCh38, 1-based): chr1:64,049,858, A>G. VCF-style: chr1-64049858-A-G. GRCh37 (hg19) VCF-style: chr1-64515530-A-G.
Other names: c.331A>G, p.Ile111Val (NM_001083592.2); short protein forms I111V.
Identifiers: ClinVar variation 3607797 (VCV003607797.2).

ClinVar aggregate classification (germline): Uncertain significance (1 of 4 stars; one submission).

gnomAD v4.1: 5 of 1,614,208 alleles (0.00031%); highest among the groups gnomAD compares: Non-Finnish European, 0.00042%; no homozygotes.

Submission:

Labcorp Genetics (formerly Invitae), Labcorp
Classification: Uncertain significance. Last evaluated: 2024-01-04. Review status: criteria provided, single submitter. Criteria: Invitae Variant Classification Sherloc (09022015). Collection method: clinical testing. Allele origin: germline.
Comment: This sequence change replaces isoleucine, which is neutral and non-polar, with valine, which is neutral and non-polar, at codon 111 of the ROR1 protein (p.Ile111Val). This variant is not present in population databases (gnomAD no frequency). This variant has not been reported in the literature in individuals affected with ROR1-related conditions. Advanced modeling of protein sequence and biophysical properties (such as structural, functional, and spatial information, amino acid conservation, physicochemical variation, residue mobility, and thermodynamic stability) performed at Invitae indicates that this missense variant is not expected to disrupt ROR1 protein function with a negative predictive value of 80%. In summary, the available evidence is currently insufficient to determine the role of this variant in disease. Therefore, it has been classified as a Variant of Uncertain Significance.